The following is an entry in ClinVar:

ClinVar aggregate classification (germline): Likely pathogenic. Review status: criteria provided, single submitter (1 of 4 stars). 2 submissions from 2 submitters: Likely pathogenic (1). 1 of the submissions does not count toward it. Last evaluated 2020-10-23.

Conditions:
Developmental and epileptic encephalopathy, 42 (DEE42A). Also called: Epileptic encephalopathy, early infantile, 42; DEVELOPMENTAL AND EPILEPTIC ENCEPHALOPATHY 42A; EPILEPTIC ENCEPHALOPATHY, EARLY INFANTILE, 42A. Identifiers: MedGen C4310716, MONDO:0014917, OMIM 617106.

Submissions (2):

Institute of Medical Genetics and Applied Genomics, University Hospital Tübingen
Classification: Likely pathogenic. Last evaluated: 2020-10-23. Review status: criteria provided, single submitter. Criteria: ACMG Guidelines, 2015. Collection method: clinical testing. Allele origin: germline. Inheritance: Unknown mechanism. Affected: yes.

Solve-RD Consortium
Classification: Likely pathogenic for Developmental and epileptic encephalopathy, 42. Last evaluated: 2022-06-01. Review status: no assertion criteria provided. Collection method: provider interpretation. Allele origin: inherited. Affected: yes. Not counted in ClinVar's aggregate classification.
Comment: Variant confirmed as disease-causing by referring clinical team

Variant identified during reanalysis of unsolved cases by the Solve-RD project. The Solve-RD project has received funding from the European Union’s Horizon 2020 research and innovation programme under grant agreement No 779257.

Literature cited by the submitters: PubMed 39825153 (cited by Solve-RD Consortium).

NM_001127222.2(CACNA1A):c.3882+2T>C

Gene: CACNA1A (calcium voltage-gated channel subunit alpha1 A; minus strand). Cytogenetic location: 19p13.13.
Variant type: single nucleotide variant.
Coding change: c.3882+2T>C on transcript NM_001127222.2 (MANE Select); the canonical splice donor site of the intron after coding-DNA position 3882, T replaced by C.
Molecular consequence: splice donor variant.
Genome position (GRCh38, 1-based): chr19:13,277,067, A>G on the plus strand (T>C on the coding strand, the complement: CACNA1A is on the minus strand). VCF-style: chr19-13277067-A-G. GRCh37 (hg19) VCF-style: chr19-13387881-A-G.
Other names: c.3885+2T>C (NM_001127221.2, NM_001174080.2); c.3894+2T>C (NM_000068.4, NM_023035.3).
Identifiers: ClinVar variation 987345 (VCV000987345.3), dbSNP rs2057168559, ClinGen allele CA404340372.